The following is an entry in ClinVar:

ClinVar aggregate classification (germline): Conflicting classifications of pathogenicity. Review status: criteria provided, conflicting classifications (1 of 4 stars). 4 submissions from 4 submitters: Uncertain significance (2); Likely benign (1). 1 of the submissions does not count toward it. Last evaluated 2025-10-23.

Conditions:
Familial cancer of breast. Also called: BREAST CANCER, FAMILIAL; Hereditary breast cancer; hereditary breast carcinoma. Identifiers: Orphanet 227535, MedGen C0346153, MONDO:0016419, OMIM 114480. Disease mechanism: loss of function.
Hereditary cancer-predisposing syndrome. Also called: Hereditary Cancer Syndrome; Neoplastic Syndromes, Hereditary; Tumor predisposition; Hereditary neoplastic syndrome. Identifiers: Orphanet 140162, MedGen C0027672, MeSH D009386, MONDO:0015356.

Allele frequency attached by ClinVar (database versions not stated): gnomAD exomes below 0.00001.
gnomAD v4.1: 2 of 1,614,202 alleles (0.00012%); highest among the groups gnomAD compares: South Asian, 0.0022%; no homozygotes.

Submissions (4):

Labcorp Genetics (formerly Invitae), Labcorp
Classification: Uncertain significance for Familial cancer of breast. Last evaluated: 2025-10-23. Review status: criteria provided, single submitter. Criteria: Invitae Variant Classification Sherloc (09022015). Collection method: clinical testing. Allele origin: germline.
Comment: This sequence change replaces threonine, which is neutral and polar, with alanine, which is neutral and non-polar, at codon 284 of the PALB2 protein (p.Thr284Ala). This variant is not present in population databases (gnomAD no frequency). This variant has not been reported in the literature in individuals affected with PALB2-related conditions. ClinVar contains an entry for this variant (Variation ID: 481019). An algorithm developed to predict the effect of missense changes on protein structure and function outputs the following: PolyPhen-2: "Benign". The alanine amino acid residue is found in multiple mammalian species, which suggests that this missense change does not adversely affect protein function. In summary, the available evidence is currently insufficient to determine the role of this variant in disease. Therefore, it has been classified as a Variant of Uncertain Significance.

Color Diagnostics, LLC DBA Color Health
Classification: Uncertain significance for Hereditary cancer-predisposing syndrome. Last evaluated: 2019-04-17. Review status: criteria provided, single submitter. Criteria: ACMG Guidelines, 2015. Collection method: clinical testing. Allele origin: germline.

Ambry Genetics
Classification: Likely benign for Hereditary cancer-predisposing syndrome. Last evaluated: 2016-07-11. Review status: criteria provided, single submitter. Criteria: Ambry Variant Classification Scheme 2023. Collection method: clinical testing. Allele origin: germline.

Leiden Open Variation Database
Classification: Uncertain significance. Last evaluated: 2019-05-13. Review status: no assertion criteria provided. Collection method: curation. Allele origin: germline. Affected: yes. Not counted in ClinVar's aggregate classification.
Comment: Curators: Marc Tischkowitz, Arleen D. Auerbach. Submitter to LOVD: Andreas Laner.

NM_024675.4(PALB2):c.850A>G (p.Thr284Ala)

Gene: PALB2 (partner and localizer of BRCA2; minus strand). Cytogenetic location: 16p12.2.
Variant type: single nucleotide variant.
Coding change: c.850A>G on transcript NM_024675.4 (MANE Select); coding-DNA position 850, A replaced by G.
Protein change: p.Thr284Ala; replaces threonine 284 with alanine.
Molecular consequence: missense variant.
Genome position (GRCh38, 1-based): chr16:23,635,696, T>C on the plus strand (A>G on the coding strand, the complement: PALB2 is on the minus strand). VCF-style: chr16-23635696-T-C. GRCh37 (hg19) VCF-style: chr16-23647017-T-C.
Other names: short protein forms T284A.
Identifiers: ClinVar variation 481019 (VCV000481019.12), dbSNP rs1555461584, ClinGen allele CA395135866.